The following is an entry in ClinVar:

NM_145290.4(ADGRA3):c.2374C>G (p.Leu792Val)

Gene: ADGRA3 (adhesion G protein-coupled receptor A3; minus strand). Cytogenetic location: 4p15.2.
Variant type: single nucleotide variant.
Coding change: c.2374C>G on transcript NM_145290.4 (MANE Select); coding-DNA position 2374, C replaced by G.
Protein change: p.Leu792Val; replaces leucine 792 with valine.
Molecular consequence: missense variant.
Genome position (GRCh38, 1-based): chr4:22,401,538, G>C on the plus strand (C>G on the coding strand, the complement: ADGRA3 is on the minus strand). VCF-style: chr4-22401538-G-C. GRCh37 (hg19) VCF-style: chr4-22403161-G-C.
Other names: short protein forms L792V.
Identifiers: ClinVar variation 1510840 (VCV001510840.6), dbSNP rs1714648517, ClinGen allele CA356477001.

ClinVar aggregate classification (germline): Uncertain significance (1 of 4 stars; one submission).

gnomAD v4.1: 2 of 1,604,776 alleles (0.00012%); no homozygotes.

Submission:

Labcorp Genetics (formerly Invitae), Labcorp
Classification: Uncertain significance. Last evaluated: 2022-08-10. Review status: criteria provided, single submitter. Criteria: Invitae Variant Classification Sherloc (09022015). Collection method: clinical testing. Allele origin: germline.
Comment: This sequence change replaces leucine, which is neutral and non-polar, with valine, which is neutral and non-polar, at codon 792 of the ADGRA3 protein (p.Leu792Val). This variant is not present in population databases (gnomAD no frequency). This variant has not been reported in the literature in individuals affected with ADGRA3-related conditions. ClinVar contains an entry for this variant (Variation ID: 1510840). Algorithms developed to predict the effect of missense changes on protein structure and function (SIFT, PolyPhen-2, Align-GVGD) all suggest that this variant is likely to be tolerated. In summary, the available evidence is currently insufficient to determine the role of this variant in disease. Therefore, it has been classified as a Variant of Uncertain Significance.